The following is an entry in ClinVar:

ClinVar aggregate classification (germline): Benign. Review status: criteria provided, multiple submitters, no conflicts (2 of 4 stars). 3 submissions from 3 submitters: Benign (3). Last evaluated 2024-07-15.

Allele frequency attached by ClinVar (database versions not stated): TOPMed 0.10532; 1000 Genomes Project 0.11841; 1000 Genomes Project 30x 0.11946; gnomAD 0.12108 and 0.12261; gnomAD exomes 0.13117.
gnomAD v4.1: 146,995 of 1,136,594 alleles (13%); highest among the groups gnomAD compares: South Asian, 16%; 10,738 homozygotes.

Submissions (3):

Unidad de Genómica Garrahan, Hospital de Pediatría Garrahan
Classification: Benign. Last evaluated: 2024-07-15. Review status: criteria provided, single submitter. Criteria: ACMG Guidelines, 2015. Collection method: clinical testing. Allele origin: germline. Affected: no. Observed: 20 variant alleles.
Comment: This variant is classified as Benign based on local population frequency. This variant was detected in 22% of patients studied in a panel designed for Epileptic and Developmental Encephalopathy and Progressive Myoclonus Epilepsy. Number of patients: 20. Only high quality variants are reported.

GeneDx
Classification: Benign. Last evaluated: 2018-06-23. Review status: criteria provided, single submitter. Criteria: GeneDx Variant Classification Process June 2021. Collection method: clinical testing. Allele origin: germline. Affected: yes.

Breakthrough Genomics
Classification: Benign. Review status: criteria provided, single submitter. Criteria: ACMG Guidelines, 2015. Collection method: not provided. Allele origin: germline. Inheritance: Autosomal dominant inheritance. Affected: yes.

NM_020822.3(KCNT1):c.492-94A>G

Gene: KCNT1 (potassium sodium-activated channel subfamily T member 1; plus strand). Cytogenetic location: 9q34.3.
Variant type: single nucleotide variant.
Coding change: c.492-94A>G on transcript NM_020822.3 (MANE Select); 94 bases into the intron before coding-DNA position 492, A replaced by G.
Molecular consequence: intron variant.
Genome position (GRCh38, 1-based): chr9:135,755,027, A>G. VCF-style: chr9-135755027-A-G. GRCh37 (hg19) VCF-style: chr9-138646873-A-G.
Other names: c.348-94A>G (NM_001272003.2).
Identifiers: ClinVar variation 1260770 (VCV001260770.5), dbSNP rs34140289, ClinGen allele CA15621495.